The following is an entry in ClinVar:

ClinVar aggregate classification (germline): Uncertain significance (1 of 4 stars; one submission).

gnomAD v4.1: 1 of 1,548,792 alleles (0.000065%); highest among the groups gnomAD compares: African/African-American, 0.0014%; no homozygotes.

Submission:

GeneDx
Classification: Uncertain significance. Last evaluated: 2024-02-14. Review status: criteria provided, single submitter. Criteria: GeneDx Variant Classification Process June 2021. Collection method: clinical testing. Allele origin: germline. Affected: yes.
Comment: Not observed at significant frequency in large population cohorts (gnomAD); Nonsense variant predicted to result in protein truncation or nonsense mediated decay in a gene or region of a gene for which loss of function is not a well-established mechanism of disease; Has not been previously published as pathogenic or benign to our knowledge

NM_001367479.1(DNAH14):c.2020C>T (p.Gln674Ter)

Gene: DNAH14 (dynein axonemal heavy chain 14; plus strand). Cytogenetic location: 1q42.12.
Variant type: single nucleotide variant.
Coding change: c.2020C>T on transcript NM_001367479.1 (MANE Select); coding-DNA position 2020, C replaced by T.
Protein change: p.Gln674Ter; replaces glutamine 674 with a stop codon.
Molecular consequence: nonsense.
Genome position (GRCh38, 1-based): chr1:225,050,317, C>T. VCF-style: chr1-225050317-C-T. GRCh37 (hg19) VCF-style: chr1-225238019-C-T.
Other names: NM_001373.1:c.2020C>T; short protein forms Q674*.
Identifiers: ClinVar variation 3369008 (VCV003369008.1).